The following is an entry in ClinVar:

NM_138694.4(PKHD1):c.9973T>C (p.Phe3325Leu)

Gene: PKHD1 (PKHD1 ciliary IPT domain containing fibrocystin/polyductin; minus strand). Cytogenetic location: 6p12.3.
Variant type: single nucleotide variant.
Coding change: c.9973T>C on transcript NM_138694.4 (MANE Select); coding-DNA position 9973, T replaced by C.
Protein change: p.Phe3325Leu; replaces phenylalanine 3325 with leucine.
Molecular consequence: missense variant.
Genome position (GRCh38, 1-based): chr6:51,746,746, A>G on the plus strand (T>C on the coding strand, the complement: PKHD1 is on the minus strand). VCF-style: chr6-51746746-A-G. GRCh37 (hg19) VCF-style: chr6-51611544-A-G.
Other names: c.9973T>C, p.Phe3325Leu (NM_170724.3); short protein forms F3325L.
Identifiers: ClinVar variation 1397203 (VCV001397203.5), dbSNP rs199924729, ClinGen allele CA3851284.

ClinVar aggregate classification (germline): Uncertain significance (1 of 4 stars; one submission).

Conditions:
Autosomal recessive polycystic kidney disease (ARPKD). Also called: AR polycystic kidney disease. Identifiers: Orphanet 731, Orphanet 8378, MedGen C0085548, MeSH D017044, MONDO:0009889.

Allele frequency attached by ClinVar (database versions not stated): gnomAD exomes below 0.00001; ExAC 0.00001; 1000 Genomes Project 30x 0.00016; 1000 Genomes Project 0.00020.
gnomAD v4.1: 5 of 1,608,906 alleles (0.00031%); highest among the groups gnomAD compares: African/African-American, 0.0053%; no homozygotes.

Submission:

Labcorp Genetics (formerly Invitae), Labcorp
Classification: Uncertain significance for Autosomal recessive polycystic kidney disease. Last evaluated: 2022-08-31. Review status: criteria provided, single submitter. Criteria: Invitae Variant Classification Sherloc (09022015). Collection method: clinical testing. Allele origin: germline.
Comment: This sequence change replaces phenylalanine, which is neutral and non-polar, with leucine, which is neutral and non-polar, at codon 3325 of the PKHD1 protein (p.Phe3325Leu). This variant is present in population databases (rs199924729, gnomAD 0.007%). This variant has not been reported in the literature in individuals affected with PKHD1-related conditions. ClinVar contains an entry for this variant (Variation ID: 1397203). Algorithms developed to predict the effect of missense changes on protein structure and function are either unavailable or do not agree on the potential impact of this missense change (SIFT: "Deleterious"; PolyPhen-2: "Possibly Damaging"; Align-GVGD: "Class C0"). In summary, the available evidence is currently insufficient to determine the role of this variant in disease. Therefore, it has been classified as a Variant of Uncertain Significance.